The following is an entry in ClinVar:

ClinVar aggregate classification (germline): Uncertain significance (1 of 4 stars; one submission).

Conditions:
Developmental and epileptic encephalopathy, 12 (DEE12). Identifiers: MedGen C3150988, MONDO:0013389, OMIM 613722.

Submission:

Labcorp Genetics (formerly Invitae), Labcorp
Classification: Uncertain significance for Early infantile epileptic encephalopathy 12. Last evaluated: 2019-04-17. Review status: criteria provided, single submitter. Criteria: Invitae Variant Classification Sherloc (09022015). Collection method: clinical testing. Allele origin: germline.
Comment: This variant results in a copy number gain of the genomic region encompassing the full coding sequence of the PLCB1 gene. The boundaries of this event are unknown as they extend beyond the assayed region for this gene and therefore may encompass additional genes. As the precise location of this event is unknown, it may be in tandem or it may be located elsewhere in the genome. This variant has not been reported in the literature in individuals with PLCB1-related conditions. Experimental studies are not available for this variant, and the functional significance of a copy number gain of this gene is currently unknown. In summary, the available evidence is currently insufficient to determine the role of this variant in disease. Therefore, it has been classified as a Variant of Uncertain Significance.

NC_000020.10:g.(?_8113279)_(8862516_?)dup

Gene: PLCB1 (phospholipase C beta 1; plus strand). Cytogenetic location: 20p12.3.
Variant type: Duplication.
Identifiers: ClinVar variation 832378 (VCV000832378.1).